The following is an entry in ClinVar:

NM_170784.3(MKKS):c.48A>C (p.Pro16=)

Gene: MKKS (MKKS centrosomal shuttling protein; minus strand). Cytogenetic location: 20p12.2.
Variant type: single nucleotide variant.
Coding change: c.48A>C on transcript NM_170784.3 (MANE Select); coding-DNA position 48, A replaced by C.
Protein change: p.Pro16=; no amino-acid change (proline 16 retained).
Molecular consequence: synonymous variant.
Genome position (GRCh38, 1-based): chr20:10,413,467, T>G on the plus strand (A>C on the coding strand, the complement: MKKS is on the minus strand). VCF-style: chr20-10413467-T-G. GRCh37 (hg19) VCF-style: chr20-10394115-T-G.
Other names: c.48A>C, p.Pro16= (NM_018848.3).
Identifiers: ClinVar variation 3350605 (VCV003350605.1).

ClinVar aggregate classification (germline): Likely benign (0 of 4 stars; one submission).

Conditions:
MKKS-related disorder. Also called: MKKS-related condition; MKKS-related disorders.

Submission:

PreventionGenetics, part of Exact Sciences
Classification: Likely benign for MKKS-related condition. Last evaluated: 2021-11-05. Review status: no assertion criteria provided. Collection method: clinical testing. Allele origin: germline.
Comment: This variant is classified as likely benign based on ACMG/AMP sequence variant interpretation guidelines (Richards et al. 2015 PMID: 25741868, with internal and published modifications).